The following is an entry in ClinVar:

NM_001023.4(RPS20):c.260G>A (p.Arg87Gln)

Gene: RPS20 (ribosomal protein S20; minus strand). Cytogenetic location: 8q12.1.
Variant type: single nucleotide variant.
Coding change: c.260G>A on transcript NM_001023.4 (MANE Select); coding-DNA position 260, G replaced by A.
Protein change: p.Arg87Gln; replaces arginine 87 with glutamine.
Molecular consequence: missense variant.
Genome position (GRCh38, 1-based): chr8:56,073,190, C>T on the plus strand (G>A on the coding strand, the complement: RPS20 is on the minus strand). VCF-style: chr8-56073190-C-T. GRCh37 (hg19) VCF-style: chr8-56985749-C-T.
Other names: c.260G>A, p.Arg87Gln (NM_001146227.3); short protein forms R87Q.
Identifiers: ClinVar variation 1793779 (VCV001793779.7), dbSNP rs748590989, ClinGen allele CA4754324.

ClinVar aggregate classification (germline): Uncertain significance. Review status: criteria provided, multiple submitters, no conflicts (2 of 4 stars). 3 submissions from 3 submitters: Uncertain significance (3). Last evaluated 2025-05-15.

Conditions:
Hereditary nonpolyposis colon cancer (HNPCC). Also called: Hereditary nonpolyposis colorectal cancer; Familial nonpolyposis colon cancer; Hereditary Nonpolyposis Colorectal Cancer Syndrome. Identifiers: Orphanet 443909, MedGen C1333990, MONDO:0018630. Disease mechanism: loss of function.

Allele frequency attached by ClinVar (database versions not stated): gnomAD exomes below 0.00001; TOPMed below 0.00001; ExAC 0.00001.
gnomAD v4.1: 1 of 1,601,380 alleles (0.000062%); highest among the groups gnomAD compares: South Asian, 0.0011%; no homozygotes.

Submissions (3):

Ambry Genetics
Classification: Uncertain significance. Last evaluated: 2025-05-15. Review status: criteria provided, single submitter. Criteria: Ambry Variant Classification Scheme 2023. Collection method: clinical testing. Allele origin: germline.
Comment: The p.R87Q variant (also known as c.260G>A), located in coding exon 4 of the RPS20 gene, results from a G to A substitution at nucleotide position 260. The arginine at codon 87 is replaced by glutamine, an amino acid with highly similar properties. This amino acid position is conserved. In addition, this alteration is predicted to be deleterious by in silico analysis. Since supporting evidence is limited at this time, the clinical significance of this alteration remains unclear.

Labcorp Genetics (formerly Invitae), Labcorp
Classification: Uncertain significance. Last evaluated: 2024-06-17. Review status: criteria provided, single submitter. Criteria: Invitae Variant Classification Sherloc (09022015). Collection method: clinical testing. Allele origin: germline.
Comment: This sequence change replaces arginine, which is basic and polar, with glutamine, which is neutral and polar, at codon 87 of the RPS20 protein (p.Arg87Gln). This variant is present in population databases (rs748590989, gnomAD 0.003%). This variant has not been reported in the literature in individuals affected with RPS20-related conditions. ClinVar contains an entry for this variant (Variation ID: 1793779). An algorithm developed to predict the effect of missense changes on protein structure and function (PolyPhen-2) suggests that this variant is likely to be disruptive. In summary, the available evidence is currently insufficient to determine the role of this variant in disease. Therefore, it has been classified as a Variant of Uncertain Significance.

Baylor Genetics
Classification: Uncertain significance for Hereditary Nonpolyposis Colorectal Cancer. Last evaluated: 2024-03-04. Review status: criteria provided, single submitter. Criteria: ACMG Guidelines, 2015. Collection method: clinical testing. Allele origin: unknown.